The following is an entry in ClinVar:

ClinVar aggregate classification (germline): Uncertain significance (1 of 4 stars; one submission).

Conditions:
Developmental and epileptic encephalopathy, 33 (DEE33). Also called: Epileptic encephalopathy, early infantile, 33. Identifiers: Orphanet 442835, MedGen C4225337, MONDO:0014625, OMIM 616409.

gnomAD v4.1: 1 of 1,612,704 alleles (0.000062%); highest among the groups gnomAD compares: African/African-American, 0.0013%; no homozygotes.

Submission:

Labcorp Genetics (formerly Invitae), Labcorp
Classification: Uncertain significance for Developmental and epileptic encephalopathy, 33. Last evaluated: 2025-09-15. Review status: criteria provided, single submitter. Criteria: Invitae Variant Classification Sherloc (09022015). Collection method: clinical testing. Allele origin: germline.
Comment: This sequence change replaces valine, which is neutral and non-polar, with phenylalanine, which is neutral and non-polar, at codon 171 of the EEF1A2 protein (p.Val171Phe). This variant is present in population databases (rs150580796, gnomAD 0.007%). This variant has not been reported in the literature in individuals affected with EEF1A2-related conditions. Invitae Evidence Modeling of protein sequence and biophysical properties (such as structural, functional, and spatial information, amino acid conservation, physicochemical variation, residue mobility, and thermodynamic stability) indicates that this missense variant is not expected to disrupt EEF1A2 protein function with a negative predictive value of 80%. In summary, the available evidence is currently insufficient to determine the role of this variant in disease. Therefore, it has been classified as a Variant of Uncertain Significance.

NM_001958.5(EEF1A2):c.511G>T (p.Val171Phe)

Genes: EEF1A2 (eukaryotic translation elongation factor 1 alpha 2; minus strand), LOC132090595 (Neanderthal introgressed variant-containing enhancer experimental_60987; plus strand). Cytogenetic location: 20q13.33.
Variant type: single nucleotide variant.
Coding change: c.511G>T on transcript NM_001958.5 (MANE Select); coding-DNA position 511, G replaced by T.
Protein change: p.Val171Phe; replaces valine 171 with phenylalanine.
Molecular consequence: missense variant.
Genome position (GRCh38, 1-based): chr20:63,494,915, C>A on the plus strand (G>T on the coding strand, the complement: EEF1A2 is on the minus strand). VCF-style: chr20-63494915-C-A. GRCh37 (hg19) VCF-style: chr20-62126268-C-A.
Other names: short protein forms V171F.
Identifiers: ClinVar variation 4742011 (VCV004742011.1).